The following is an entry in ClinVar:

NM_004525.3(LRP2):c.*530C>T

Gene: LRP2 (LDL receptor related protein 2; minus strand). Cytogenetic location: 2q31.1.
Variant type: single nucleotide variant.
Coding change: c.*530C>T on transcript NM_004525.3 (MANE Select); 530 bases downstream of the stop codon, C replaced by T.
Molecular consequence: 3 prime UTR variant.
Genome position (GRCh38, 1-based): chr2:169,128,133, G>A on the plus strand (C>T on the coding strand, the complement: LRP2 is on the minus strand). VCF-style: chr2-169128133-G-A. GRCh37 (hg19) VCF-style: chr2-169984643-G-A.
Identifiers: ClinVar variation 894577 (VCV000894577.5), dbSNP rs115478975, ClinGen allele CA59910950.

ClinVar aggregate classification (germline): Likely benign. Review status: criteria provided, multiple submitters, no conflicts (2 of 4 stars). 2 submissions from 2 submitters: Likely benign (2). Last evaluated 2018-01-13.

Conditions:
Donnai-Barrow syndrome. Also called: DBS/FOAR SYNDROME; FACIOOCULOACOUSTICORENAL SYNDROME. Identifiers: Orphanet 2143, MedGen C1857277, MONDO:0009104, OMIM 222448.

Allele frequency attached by ClinVar (database versions not stated): gnomAD 0.00144 and 0.00153; TOPMed 0.00155; 1000 Genomes Project 0.00200; 1000 Genomes Project 30x 0.00203.

Submissions (2):

Illumina Laboratory Services, Illumina
Classification: Likely benign for Donnai-Barrow syndrome. Last evaluated: 2018-01-13. Review status: criteria provided, single submitter. Criteria: ICSL Variant Classification Criteria 13 December 2019. Collection method: clinical testing. Allele origin: germline.
Comment: This variant was observed in the ICSL laboratory as part of a predisposition screen in an ostensibly healthy population. It had not been previously curated by ICSL or reported in the Human Gene Mutation Database (HGMD: prior to June 1st, 2018), and was therefore a candidate for classification through an automated scoring system. Utilizing variant allele frequency, disease prevalence and penetrance estimates, and inheritance mode, an automated score was calculated to assess if this variant is too frequent to cause the disease. Based on the score and internal cut-off values, a variant classified as likely benign is not then subjected to further curation. The score for this variant resulted in a classification of likely benign for this disease.

Breakthrough Genomics
Classification: Likely benign. Review status: criteria provided, single submitter. Criteria: ACMG Guidelines, 2015. Collection method: not provided. Allele origin: germline. Inheritance: Autosomal recessive inheritance. Affected: yes.